The following is an entry in ClinVar:

NM_001458.5(FLNC):c.3014C>A (p.Ser1005Ter)

Gene: FLNC (filamin C; plus strand). Cytogenetic location: 7q32.1.
Variant type: single nucleotide variant.
Coding change: c.3014C>A on transcript NM_001458.5 (MANE Select); coding-DNA position 3014, C replaced by A.
Protein change: p.Ser1005Ter; replaces serine 1005 with a stop codon.
Molecular consequence: nonsense.
Genome position (GRCh38, 1-based): chr7:128,844,088, C>A. VCF-style: chr7-128844088-C-A. GRCh37 (hg19) VCF-style: chr7-128484142-C-A.
Other names: c.3014C>A, p.Ser1005Ter (NM_001127487.2); short protein forms S1005*.
Identifiers: ClinVar variation 1798833 (VCV001798833.2), dbSNP rs752448040, ClinGen allele CA369193955.

ClinVar aggregate classification (germline): Pathogenic (1 of 4 stars; one submission).

Conditions:
Cardiovascular phenotype. Identifiers: MedGen CN230736.

gnomAD v4.1: 1 of 1,613,966 alleles (0.000062%); highest among the groups gnomAD compares: Non-Finnish European, 0.000085%; no homozygotes.

Submission:

Ambry Genetics
Classification: Pathogenic for Cardiovascular phenotype. Last evaluated: 2020-11-10. Review status: criteria provided, single submitter. Criteria: Ambry Variant Classification Scheme 2023. Collection method: clinical testing. Allele origin: germline.
Comment: The p.S1005* pathogenic mutation (also known as c.3014C>A), located in coding exon 20 of the FLNC gene, results from a C to A substitution at nucleotide position 3014. This changes the amino acid from a serine to a stop codon within coding exon 20. This alteration is expected to result in loss of function by premature protein truncation or nonsense-mediated mRNA decay. As such, this alteration is interpreted as a disease-causing mutation.